The following is an entry in ClinVar:

ClinVar aggregate classification (germline): Benign. Review status: criteria provided, multiple submitters, no conflicts (2 of 4 stars). 3 submissions from 3 submitters: Benign (2). 1 of the submissions does not count toward it. Last evaluated 2024-11-09.

Conditions:
KRT2-related disorder. Also called: KRT2-related condition.
Ichthyosis bullosa of Siemens (IBS). Also called: Superficial epidermolytic ichthyosis. Identifiers: Orphanet 455, MedGen C0432306, MONDO:0007813, OMIM 146800.

Allele frequency attached by ClinVar (database versions not stated): TOPMed 0.00008; gnomAD 0.00011; ExAC 0.00021; gnomAD exomes 0.00023 and 0.00025.
gnomAD v4.1: 342 of 1,614,052 alleles (0.021%); highest among the groups gnomAD compares: South Asian, 0.081%; 1 homozygote.

Submissions (3):

Labcorp Genetics (formerly Invitae), Labcorp
Classification: Benign. Last evaluated: 2024-11-09. Review status: criteria provided, single submitter. Criteria: Invitae Variant Classification Sherloc (09022015). Collection method: clinical testing. Allele origin: germline.

Illumina Laboratory Services, Illumina
Classification: Benign for Ichthyosis bullosa of Siemens. Last evaluated: 2018-01-12. Review status: criteria provided, single submitter. Criteria: ICSL Variant Classification Criteria 13 December 2019. Collection method: clinical testing. Allele origin: germline.
Comment: This variant was observed in the ICSL laboratory as part of a predisposition screen in an ostensibly healthy population. It had not been previously curated by ICSL or reported in the Human Gene Mutation Database (HGMD: prior to June 1st, 2018), and was therefore a candidate for classification through an automated scoring system. Utilizing variant allele frequency, disease prevalence and penetrance estimates, and inheritance mode, an automated score was calculated to assess if this variant is too frequent to cause the disease. Based on the score and internal cut-off values, a variant classified as benign is not then subjected to further curation. The score for this variant resulted in a classification of benign for this disease.

PreventionGenetics, part of Exact Sciences
Classification: Likely benign for KRT2-related condition. Last evaluated: 2019-07-03. Review status: no assertion criteria provided. Collection method: clinical testing. Allele origin: germline. Not counted in ClinVar's aggregate classification.
Comment: This variant is classified as likely benign based on ACMG/AMP sequence variant interpretation guidelines (Richards et al. 2015 PMID: 25741868, with internal and published modifications).

NM_000423.3(KRT2):c.1272C>T (p.Ile424=)

Gene: KRT2 (keratin 2; minus strand). Cytogenetic location: 12q13.13.
Variant type: single nucleotide variant.
Coding change: c.1272C>T on transcript NM_000423.3 (MANE Select); coding-DNA position 1272, C replaced by T.
Protein change: p.Ile424=; no amino-acid change (isoleucine 424 retained).
Molecular consequence: synonymous variant.
Genome position (GRCh38, 1-based): chr12:52,646,937, G>A on the plus strand (C>T on the coding strand, the complement: KRT2 is on the minus strand). VCF-style: chr12-52646937-G-A. GRCh37 (hg19) VCF-style: chr12-53040721-G-A.
Identifiers: ClinVar variation 309606 (VCV000309606.9), dbSNP rs753957075, ClinGen allele CA6585518.